The following is an entry in ClinVar:

NM_001395159.1(UNC79):c.3624A>T (p.Leu1208Phe)

Gene: UNC79 (unc-79 homolog, NALCN channel complex subunit; plus strand). Cytogenetic location: 14q32.12.
Variant type: single nucleotide variant.
Coding change: c.3624A>T on transcript NM_001395159.1 (MANE Select); coding-DNA position 3624, A replaced by T.
Protein change: p.Leu1208Phe; replaces leucine 1208 with phenylalanine.
Molecular consequence: missense variant.
Genome position (GRCh38, 1-based): chr14:93,603,288, A>T. VCF-style: chr14-93603288-A-T. GRCh37 (hg19) VCF-style: chr14-94069634-A-T.
Other names: c.3624A>T, p.Leu1208Phe (NM_001346218.2); c.3093A>T, p.Leu1031Phe (NM_020818.5); short protein forms L1031F, L1208F.
Identifiers: ClinVar variation 3903088 (VCV003903088.1).

ClinVar aggregate classification (germline): Uncertain significance (1 of 4 stars; one submission).

Submission:

GeneDx
Classification: Uncertain significance. Last evaluated: 2024-12-13. Review status: criteria provided, single submitter. Criteria: GeneDx Variant Classification Process June 2021. Collection method: clinical testing. Allele origin: germline. Affected: yes.
Comment: Not observed at significant frequency in large population cohorts (gnomAD); In silico analysis indicates that this missense variant does not alter protein structure/function; Has not been previously published as pathogenic or benign to our knowledge